The following is an entry in ClinVar:

ClinVar aggregate classification (germline): Uncertain significance. Review status: criteria provided, multiple submitters, no conflicts (2 of 4 stars). 4 submissions from 4 submitters: Uncertain significance (4). Last evaluated 2025-04-06.

Conditions:
Cardiovascular phenotype. Identifiers: MedGen CN230736.
Brugada syndrome 8 (BRGDA8). Identifiers: Orphanet 130, MedGen C2751083, MONDO:0013148, OMIM 613123.

Allele frequency attached by ClinVar (database versions not stated): TOPMed below 0.00001; ExAC 0.00001; gnomAD 0.00001; gnomAD exomes 0.00001 and 0.00003; 1000 Genomes Project 30x 0.00016; 1000 Genomes Project 0.00020.

Submissions (4):

Ambry Genetics
Classification: Uncertain significance for Cardiovascular phenotype. Last evaluated: 2025-04-06. Review status: criteria provided, single submitter. Criteria: Ambry Variant Classification Scheme 2023. Collection method: clinical testing. Allele origin: germline.

Labcorp Genetics (formerly Invitae), Labcorp
Classification: Uncertain significance for Brugada syndrome 8. Last evaluated: 2025-01-22. Review status: criteria provided, single submitter. Criteria: Invitae Variant Classification Sherloc (09022015). Collection method: clinical testing. Allele origin: germline.
Comment: This sequence change replaces lysine, which is basic and polar, with arginine, which is basic and polar, at codon 248 of the HCN4 protein (p.Lys248Arg). This variant is present in population databases (rs191744064, gnomAD 0.03%). This variant has not been reported in the literature in individuals affected with HCN4-related conditions. ClinVar contains an entry for this variant (Variation ID: 288482). Invitae Evidence Modeling of protein sequence and biophysical properties (such as structural, functional, and spatial information, amino acid conservation, physicochemical variation, residue mobility, and thermodynamic stability) has been performed for this missense variant. However, the output from this modeling did not meet the statistical confidence thresholds required to predict the impact of this variant on HCN4 protein function. In summary, the available evidence is currently insufficient to determine the role of this variant in disease. Therefore, it has been classified as a Variant of Uncertain Significance.

GeneDx
Classification: Uncertain significance. Last evaluated: 2024-07-24. Review status: criteria provided, single submitter. Criteria: GeneDx Variant Classification Process June 2021. Collection method: clinical testing. Allele origin: germline. Affected: yes.
Comment: In silico analysis indicates that this missense variant does not alter protein structure/function; Has not been previously published as pathogenic or benign to our knowledge

Eurofins Ntd Llc (ga)
Classification: Uncertain significance. Last evaluated: 2016-06-10. Review status: criteria provided, single submitter. Criteria: EGL Classification Definitions 2015. Collection method: clinical testing. Allele origin: germline. Observed: 1 variant allele, 1 heterozygote.

NM_005477.3(HCN4):c.743A>G (p.Lys248Arg)

Gene: HCN4 (hyperpolarization activated cyclic nucleotide gated potassium channel 4; minus strand). Cytogenetic location: 15q24.1.
Variant type: single nucleotide variant.
Coding change: c.743A>G on transcript NM_005477.3 (MANE Select); coding-DNA position 743, A replaced by G.
Protein change: p.Lys248Arg; replaces lysine 248 with arginine.
Molecular consequence: missense variant.
Genome position (GRCh38, 1-based): chr15:73,367,528, T>C on the plus strand (A>G on the coding strand, the complement: HCN4 is on the minus strand). VCF-style: chr15-73367528-T-C. GRCh37 (hg19) VCF-style: chr15-73659869-T-C.
Other names: short protein forms K248R.
Identifiers: ClinVar variation 288482 (VCV000288482.15), dbSNP rs191744064, ClinGen allele CA7649431.